The following is an entry in ClinVar:

NM_000059.4(BRCA2):c.6820G>A (p.Gly2274Arg)

Gene: BRCA2 (BRCA2 DNA repair associated; plus strand). Cytogenetic location: 13q13.1.
Variant type: single nucleotide variant.
Coding change: c.6820G>A on transcript NM_000059.4 (MANE Select); coding-DNA position 6820, G replaced by A.
Protein change: p.Gly2274Arg; replaces glycine 2274 with arginine.
Molecular consequence: missense variant.
Genome position (GRCh38, 1-based): chr13:32,341,175, G>A. VCF-style: chr13-32341175-G-A. GRCh37 (hg19) VCF-style: chr13-32915312-G-A.
Other names: c.6820G>A, p.Gly2274Arg (NM_001406719.1, NM_001406720.1); short protein forms G2274R.
Identifiers: ClinVar variation 1755637 (VCV001755637.6), dbSNP rs2137530916, ClinGen allele CA387791437.

ClinVar aggregate classification (germline): Conflicting classifications of pathogenicity. Review status: criteria provided, conflicting classifications (1 of 4 stars). 3 submissions from 3 submitters: Uncertain significance (2); Likely benign (1). Last evaluated 2024-05-04.

Conditions:
Hereditary breast ovarian cancer syndrome. Also called: Hereditary breast and ovarian cancer syndrome (HBOC); Hereditary breast and ovarian cancer; BRCA1- and BRCA2-Associated Hereditary Breast and Ovarian Cancer; Hereditary breast and ovarian cancer syndrome; Breast and ovarian cancer; Hereditary breast and/or ovarian cancer syndrome. Identifiers: Orphanet 145, MedGen C0677776, MeSH D061325, MONDO:0003582. Disease mechanism: loss of function.
Hereditary cancer-predisposing syndrome. Also called: Neoplastic Syndromes, Hereditary; Tumor predisposition; Hereditary Cancer Syndrome; Hereditary neoplastic syndrome. Identifiers: Orphanet 140162, MedGen C0027672, MeSH D009386, MONDO:0015356.

Submissions (3):

Labcorp Genetics (formerly Invitae), Labcorp
Classification: Uncertain significance for Hereditary breast ovarian cancer syndrome. Last evaluated: 2024-05-04. Review status: criteria provided, single submitter. Criteria: Invitae Variant Classification Sherloc (09022015). Collection method: clinical testing. Allele origin: germline.
Comment: This sequence change replaces glycine, which is neutral and non-polar, with arginine, which is basic and polar, at codon 2274 of the BRCA2 protein (p.Gly2274Arg). This variant is not present in population databases (gnomAD no frequency). This variant has not been reported in the literature in individuals affected with BRCA2-related conditions. ClinVar contains an entry for this variant (Variation ID: 1755637). Advanced modeling of protein sequence and biophysical properties (such as structural, functional, and spatial information, amino acid conservation, physicochemical variation, residue mobility, and thermodynamic stability) performed at Invitae indicates that this missense variant is not expected to disrupt BRCA2 protein function with a negative predictive value of 95%. In summary, the available evidence is currently insufficient to determine the role of this variant in disease. Therefore, it has been classified as a Variant of Uncertain Significance.

University of Washington Department of Laboratory Medicine, University of Washington
Classification: Likely benign for Hereditary cancer-predisposing syndrome. Last evaluated: 2023-03-23. Review status: criteria provided, single submitter. Criteria: Dines et al. (Genet Med. 2020). Collection method: curation. Allele origin: germline.
Comment: Missense variant in a coldspot region where missense variants are very unlikely to be pathogenic (PMID:31911673).

BRCA2 exon 11 coldspot. Reclassification based on statistical prior probability.

Ambry Genetics
Classification: Uncertain significance for Hereditary cancer-predisposing syndrome. Last evaluated: 2018-05-25. Review status: criteria provided, single submitter. Criteria: Ambry Variant Classification Scheme 2023. Collection method: clinical testing. Allele origin: germline.
Comment: The p.G2274R variant (also known as c.6820G>A), located in coding exon 10 of the BRCA2 gene, results from a G to A substitution at nucleotide position 6820. The glycine at codon 2274 is replaced by arginine, an amino acid with dissimilar properties. This amino acid position is not well conserved in available vertebrate species. In addition, the in silico prediction for this alteration is inconclusive. Since supporting evidence is limited at this time, the clinical significance of this alteration remains unclear.